The following is an entry in ClinVar:

NM_018489.3(ASH1L):c.2926G>A (p.Gly976Arg)

Gene: ASH1L (ASH1 like histone lysine methyltransferase; minus strand). Cytogenetic location: 1q22.
Variant type: single nucleotide variant.
Coding change: c.2926G>A on transcript NM_018489.3 (MANE Select); coding-DNA position 2926, G replaced by A.
Protein change: p.Gly976Arg; replaces glycine 976 with arginine.
Molecular consequence: missense variant.
Genome position (GRCh38, 1-based): chr1:155,479,944, C>T on the plus strand (G>A on the coding strand, the complement: ASH1L is on the minus strand). VCF-style: chr1-155479944-C-T. GRCh37 (hg19) VCF-style: chr1-155449735-C-T.
Other names: c.2926G>A, p.Gly976Arg (NM_001366177.2); short protein forms G976R.
Identifiers: ClinVar variation 3769197 (VCV003769197.2).

ClinVar aggregate classification (germline): Uncertain significance (1 of 4 stars; one submission).

gnomAD v4.1: 2 of 1,613,394 alleles (0.00012%); highest among the groups gnomAD compares: Non-Finnish European, 0.00017%; no homozygotes.

Submission:

Women's Health and Genetics/Laboratory Corporation of America, LabCorp
Classification: Uncertain significance. Last evaluated: 2025-01-08. Review status: criteria provided, single submitter. Criteria: LabCorp Variant Classification Summary - May 2015. Collection method: clinical testing. Allele origin: germline.
Comment: Variant summary: ASH1L c.2926G>A (p.Gly976Arg) results in a non-conservative amino acid change in the encoded protein sequence. Five of five in-silico tools predict a damaging effect of the variant on protein function. The variant was absent in 250296 control chromosomes. The available data on variant occurrences in the general population are insufficient to allow any conclusion about variant significance. To our knowledge, no occurrence of c.2926G>A in individuals affected with Intellectual Disability, Autosomal Dominant 52 and no experimental evidence demonstrating its impact on protein function have been reported. No submitters have cited clinical-significance assessments for this variant to ClinVar. Based on the evidence outlined above, the variant was classified as uncertain significance.